The following is an entry in ClinVar:

NM_003640.5(ELP1):c.3527G>A (p.Ser1176Asn)

Gene: ELP1 (elongator acetyltransferase complex subunit 1; minus strand). Cytogenetic location: 9q31.3.
Variant type: single nucleotide variant.
Coding change: c.3527G>A on transcript NM_003640.5 (MANE Select); coding-DNA position 3527, G replaced by A.
Protein change: p.Ser1176Asn; replaces serine 1176 with asparagine.
Molecular consequence: missense variant.
Genome position (GRCh38, 1-based): chr9:108,879,491, C>T on the plus strand (G>A on the coding strand, the complement: ELP1 is on the minus strand). VCF-style: chr9-108879491-C-T. GRCh37 (hg19) VCF-style: chr9-111641771-C-T.
Other names: c.3527G>A (LRG_251t1); c.3185G>A, p.Ser1062Asn (NM_001318360.2); c.2480G>A, p.Ser827Asn (NM_001330749.2); short protein forms S1176N, S1062N, S827N.
Identifiers: ClinVar variation 568643 (VCV000568643.12), dbSNP rs749668335, ClinGen allele CA5174271.

ClinVar aggregate classification (germline): Uncertain significance. Review status: criteria provided, multiple submitters, no conflicts (2 of 4 stars). 6 submissions from 6 submitters: Uncertain significance (5). 1 of the submissions does not count toward it. Last evaluated 2025-05-15.

Conditions:
Medulloblastoma (MDB). Also called: Medulloblastoma, somatic; MEDULLOBLASTOMA PREDISPOSITION SYNDROME. Identifiers: Orphanet 616, MedGen C0025149, MeSH D008527, MONDO:0007959, OMIM 155255, HP:0002885.
Familial dysautonomia. Also called: HSAN III; FD. Identifiers: Orphanet 1764, MedGen C0013364, MONDO:0009131, OMIM 223900. Disease mechanism: loss of function.

Allele frequency attached by ClinVar (database versions not stated): ExAC 0.00004; gnomAD exomes 0.00004 and 0.00015; gnomAD 0.00007; TOPMed 0.00008.
gnomAD v4.1: 235 of 1,614,054 alleles (0.015%); highest among the groups gnomAD compares: Non-Finnish European, 0.019%; no homozygotes.

Submissions (6):

ARUP Laboratories, Molecular Genetics and Genomics, ARUP Laboratories
Classification: Uncertain significance. Last evaluated: 2025-05-15. Review status: criteria provided, single submitter. Criteria: ARUP Molecular Germline Variant Investigation Process 2024. Collection method: clinical testing. Allele origin: germline.
Comment: The ELP1 c.3527G>A; p.Ser1176Asn variant (rs749668335), to our knowledge, is not reported in the medical literature but is reported in ClinVar (Variation ID: 568643). This variant is observed in the general population with an overall allele frequency of 0.004% (11/282846 alleles) in the Genome Aggregation Database (v2.1.1). Computational analyses are uncertain whether this variant is neutral or deleterious (REVEL: 0.168). Due to limited information, the clinical significance of this variant is uncertain at this time.

Ambry Genetics
Classification: Uncertain significance. Last evaluated: 2025-04-01. Review status: criteria provided, single submitter. Criteria: Ambry Variant Classification Scheme 2023. Collection method: clinical testing. Allele origin: germline.

Labcorp Genetics (formerly Invitae), Labcorp
Classification: Uncertain significance. Last evaluated: 2024-09-27. Review status: criteria provided, single submitter. Criteria: Invitae Variant Classification Sherloc (09022015). Collection method: clinical testing. Allele origin: germline.
Comment: This sequence change replaces serine, which is neutral and polar, with asparagine, which is neutral and polar, at codon 1176 of the ELP1 protein (p.Ser1176Asn). This variant is present in population databases (rs749668335, gnomAD 0.009%). This variant has not been reported in the literature in individuals affected with ELP1-related conditions. ClinVar contains an entry for this variant (Variation ID: 568643). Invitae Evidence Modeling of protein sequence and biophysical properties (such as structural, functional, and spatial information, amino acid conservation, physicochemical variation, residue mobility, and thermodynamic stability) indicates that this missense variant is expected to disrupt ELP1 protein function with a positive predictive value of 80%. In summary, the available evidence is currently insufficient to determine the role of this variant in disease. Therefore, it has been classified as a Variant of Uncertain Significance.

GeneDx
Classification: Uncertain significance. Last evaluated: 2024-07-03. Review status: criteria provided, single submitter. Criteria: GeneDx Variant Classification Process June 2021. Collection method: clinical testing. Allele origin: germline. Affected: yes.
Comment: Not observed at significant frequency in large population cohorts (gnomAD); In silico analysis indicates that this missense variant does not alter protein structure/function; Has not been previously published as pathogenic or benign to our knowledge

Fulgent Genetics
Classification: Uncertain significance for Medulloblastoma; Familial dysautonomia. Last evaluated: 2021-08-18. Review status: criteria provided, single submitter. Criteria: ACMG Guidelines, 2015. Collection method: clinical testing. Allele origin: unknown.

Natera, Inc.
Classification: Uncertain significance for Familial dysautonomia. Last evaluated: 2020-09-16. Review status: no assertion criteria provided. Collection method: clinical testing. Allele origin: germline. Not counted in ClinVar's aggregate classification.